The following is an entry in ClinVar:

NM_005236.3(ERCC4):c.2633C>T (p.Ala878Val)

Gene: ERCC4 (ERCC excision repair 4, endonuclease catalytic subunit; plus strand). Cytogenetic location: 16p13.12.
Variant type: single nucleotide variant.
Coding change: c.2633C>T on transcript NM_005236.3 (MANE Select); coding-DNA position 2633, C replaced by T.
Protein change: p.Ala878Val; replaces alanine 878 with valine.
Molecular consequence: missense variant.
Genome position (GRCh38, 1-based): chr16:13,948,229, C>T. VCF-style: chr16-13948229-C-T. GRCh37 (hg19) VCF-style: chr16-14042086-C-T.
Other names: short protein forms A878V.
Identifiers: ClinVar variation 2149313 (VCV002149313.3), dbSNP rs948636865, ClinGen allele CA278485955.

ClinVar aggregate classification (germline): Uncertain significance (1 of 4 stars; one submission).

Conditions:
Xeroderma pigmentosum, group F (XPF). Also called: XERODERMA PIGMENTOSUM VI; XP, GROUP F; ERCC4-Related Xeroderma Pigmentosum; XERODERMA PIGMENTOSUM, TYPE F; Xeroderma pigmentosum, type 6; XERODERMA PIGMENTOSUM, COMPLEMENTATION GROUP F. Identifiers: MedGen C0268140, MONDO:0010215, OMIM 278760.
Fanconi anemia complementation group Q. Identifiers: Orphanet 84, MedGen C3808988, MONDO:0014108, OMIM 615272.
Cockayne syndrome. Identifiers: Orphanet 191, MedGen C0009207, MONDO:0016006.

Allele frequency attached by ClinVar (database versions not stated): gnomAD exomes 0.00001; gnomAD 0.00002; TOPMed 0.00002.
gnomAD v4.1: 6 of 1,614,038 alleles (0.00037%); highest among the groups gnomAD compares: Admixed American, 0.0067%; no homozygotes.

Submission:

Labcorp Genetics (formerly Invitae), Labcorp
Classification: Uncertain significance for Fanconi anemia complementation group Q; Xeroderma pigmentosum, group F; Cockayne syndrome. Last evaluated: 2022-04-06. Review status: criteria provided, single submitter. Criteria: Invitae Variant Classification Sherloc (09022015). Collection method: clinical testing. Allele origin: germline.
Comment: In summary, the available evidence is currently insufficient to determine the role of this variant in disease. Therefore, it has been classified as a Variant of Uncertain Significance. Algorithms developed to predict the effect of missense changes on protein structure and function (SIFT, PolyPhen-2, Align-GVGD) all suggest that this variant is likely to be tolerated. This variant has not been reported in the literature in individuals affected with ERCC4-related conditions. This variant is present in population databases (no rsID available, gnomAD 0.003%). This sequence change replaces alanine, which is neutral and non-polar, with valine, which is neutral and non-polar, at codon 878 of the ERCC4 protein (p.Ala878Val).